The following is an entry in ClinVar:

NM_000179.3(MSH6):c.3433A>T (p.Arg1145Ter)

Gene: MSH6 (mutS homolog 6; plus strand). Cytogenetic location: 2p16.3.
Variant type: single nucleotide variant.
Coding change: c.3433A>T on transcript NM_000179.3 (MANE Select); coding-DNA position 3433, A replaced by T.
Protein change: p.Arg1145Ter; replaces arginine 1145 with a stop codon.
Molecular consequence: nonsense. On other transcripts: non-coding transcript variant (5).
Genome position (GRCh38, 1-based): chr2:47,803,680, A>T. VCF-style: chr2-47803680-A-T. GRCh37 (hg19) VCF-style: chr2-48030819-A-T.
Other names: c.3043A>T, p.Arg1015Ter (NM_001281492.2); c.2527A>T, p.Arg843Ter (NM_001281493.2, NM_001281494.2, NM_001406811.1 and 6 more transcripts); c.3529A>T, p.Arg1177Ter (NM_001406795.1, NM_001406802.1); c.3433A>T, p.Arg1145Ter (NM_001406796.1, NM_001406800.1, NM_001406808.1 and 1 more transcripts); c.3136A>T, p.Arg1046Ter (NM_001406797.1, NM_001406801.1, NM_001406805.1 and 10 more transcripts); c.3259A>T, p.Arg1087Ter (NM_001406798.1); c.2908A>T, p.Arg970Ter (NM_001406799.1, NM_001406806.1, NM_001406807.1); c.2569A>T, p.Arg857Ter (NM_001406803.1); and 7 more; short protein forms R1015*, R1046*, R1087*, R1089*, R1119*, R1145*, R1147*, R1177*.
Identifiers: ClinVar variation 2673639 (VCV002673639.3), dbSNP rs2104486660, ClinGen allele CA346758962.

ClinVar aggregate classification (germline): Pathogenic. Review status: criteria provided, multiple submitters, no conflicts (2 of 4 stars). 3 submissions from 3 submitters: Pathogenic (3). Last evaluated 2026-03-20.

Conditions:
Hereditary cancer-predisposing syndrome. Also called: Tumor predisposition; Hereditary neoplastic syndrome; Neoplastic Syndromes, Hereditary; Hereditary Cancer Syndrome. Identifiers: Orphanet 140162, MedGen C0027672, MeSH D009386, MONDO:0015356.
Hereditary nonpolyposis colorectal neoplasms. Identifiers: MedGen C0009405, MeSH D003123.
Lynch syndrome 5 (LYNCH5). Also called: Colorectal cancer, hereditary nonpolyposis, type 5; Hereditary non-polyposis colorectal cancer, type 5. Identifiers: Orphanet 144, MedGen C1833477, MONDO:0013710, OMIM 614350. Disease mechanism: loss of function.

Submissions (3):

Ambry Genetics
Classification: Pathogenic for Hereditary cancer-predisposing syndrome. Last evaluated: 2026-03-20. Review status: criteria provided, single submitter. Criteria: Ambry Variant Classification Scheme 2023. Collection method: clinical testing. Allele origin: germline.
Comment: The p.R1145* pathogenic mutation (also known as c.3433A>T), located in coding exon 5 of the MSH6 gene, results from an A to T substitution at nucleotide position 3433. This changes the amino acid from an arginine to a stop codon within coding exon 5. This variant is considered to be rare based on population cohorts in the Genome Aggregation Database (gnomAD). This alteration is expected to result in loss of function by premature protein truncation or nonsense-mediated mRNA decay. As such, this alteration is interpreted as a disease-causing mutation.

Labcorp Genetics (formerly Invitae), Labcorp
Classification: Pathogenic for Hereditary nonpolyposis colorectal neoplasms. Last evaluated: 2025-08-29. Review status: criteria provided, single submitter. Criteria: Invitae Variant Classification Sherloc (09022015). Collection method: clinical testing. Allele origin: germline.
Comment: This sequence change creates a premature translational stop signal (p.Arg1145*) in the MSH6 gene. It is expected to result in an absent or disrupted protein product. Loss-of-function variants in MSH6 are known to be pathogenic (PMID: 18269114, 24362816). This variant is not present in population databases (gnomAD no frequency). This variant has not been reported in the literature in individuals affected with MSH6-related conditions. ClinVar contains an entry for this variant (Variation ID: 2673639). For these reasons, this variant has been classified as Pathogenic.

Myriad Genetics, Inc.
Classification: Pathogenic for Lynch syndrome 5. Last evaluated: 2023-08-23. Review status: criteria provided, single submitter. Criteria: Myriad Autosomal Dominant, Autosomal Recessive and X-Linked Classification Criteria (2023). Collection method: clinical testing. Allele origin: unknown.
Comment: This variant is considered pathogenic. This variant creates a termination codon and is predicted to result in premature protein truncation.

Literature cited by the submitters: PubMed 18269114 (cited by Labcorp Genetics (formerly Invitae), Labcorp); PubMed 24362816 (cited by Labcorp Genetics (formerly Invitae), Labcorp).